The following is an entry in ClinVar:

ClinVar aggregate classification (germline): Pathogenic. Review status: criteria provided, multiple submitters, no conflicts (2 of 4 stars). 6 submissions from 6 submitters: Pathogenic (5). 1 of the submissions does not count toward it. Last evaluated 2026-01-28.

Conditions:
Argininosuccinate lyase deficiency. Also called: Argininosuccinic aciduria; ARGININOSUCCINIC ACID LYASE DEFICIENCY; ASL DEFICIENCY. Identifiers: Orphanet 23, MedGen C0268547, MONDO:0008815, OMIM 207900, HP:0025630.

Allele frequency attached by ClinVar (database versions not stated): TOPMed 0.00001; gnomAD exomes 0.00004 and 0.00013; ExAC 0.00007; gnomAD 0.00008.

Submissions (6):

Labcorp Genetics (formerly Invitae), Labcorp
Classification: Pathogenic for Argininosuccinate lyase deficiency. Last evaluated: 2026-01-28. Review status: criteria provided, single submitter. Criteria: Invitae Variant Classification Sherloc (09022015). Collection method: clinical testing. Allele origin: germline.
Comment: This sequence change replaces arginine, which is basic and polar, with tryptophan, which is neutral and slightly polar, at codon 113 of the ASL protein (p.Arg113Trp). This variant is present in population databases (rs767543051, gnomAD 0.1%). This missense change has been observed in individual(s) with argininosuccinate lyase deficiency (PMID: 10896281, 24166829). ClinVar contains an entry for this variant (Variation ID: 553111). Invitae Evidence Modeling of protein sequence and biophysical properties (such as structural, functional, and spatial information, amino acid conservation, physicochemical variation, residue mobility, and thermodynamic stability) indicates that this missense variant is expected to disrupt ASL protein function with a positive predictive value of 95%. For these reasons, this variant has been classified as Pathogenic.

Natera, Inc.
Classification: Pathogenic for Argininosuccinate lyase deficiency. Last evaluated: 2025-08-18. Review status: criteria provided, single submitter. Criteria: Natera Variant Classification Schema (03/2026). Collection method: clinical testing. Allele origin: germline.
Comment: The c.337C>T variant in ASL is a missense variant predicted to cause substitution of arginine to tryptophan at amino acid 113. This variant is rare in the general population with a frequency below the threshold expected for the associated phenotype(s). This variant has been observed in one or more individuals affected with the associated recessive disease, as either homozygous or compound heterozygous with a second variant (PMID: 30285816, 24166829). Computational prediction algorithms indicate this variant is likely to affect gene or protein function. Given the available evidence, this variant is classified as Pathogenic.

Revvity Omics, Revvity
Classification: Pathogenic for Argininosuccinate lyase deficiency. Last evaluated: 2025-01-07. Review status: criteria provided, single submitter. Criteria: ACMG Guidelines, 2015. Collection method: clinical testing. Allele origin: germline.

Fulgent Genetics
Classification: Pathogenic for Argininosuccinate lyase deficiency. Last evaluated: 2024-04-29. Review status: criteria provided, single submitter. Criteria: ACMG Guidelines, 2015. Collection method: clinical testing. Allele origin: germline.

Women's Health and Genetics/Laboratory Corporation of America, LabCorp
Classification: Pathogenic for Argininosuccinate lyase deficiency. Last evaluated: 2023-05-16. Review status: criteria provided, single submitter. Criteria: LabCorp Variant Classification Summary - May 2015. Collection method: clinical testing. Allele origin: germline.
Comment: Variant summary: ASL c.337C>T (p.Arg113Trp) results in a non-conservative amino acid change located in the Fumarate lyase, N-terminal domain (IPR022761) of the encoded protein sequence. Five of five in-silico tools predict a damaging effect of the variant on protein function. The variant allele was found at a frequency of 0.00013 in 250038 control chromosomes (gnomAD). This frequency is not significantly higher than estimated for a pathogenic variant in ASL causing Argininosuccinic Aciduria (0.00013 vs 0.0042), allowing no conclusion about variant significance. c.337C>T has been reported in the literature in multiple bi-allelic individuals affected with Argininosuccinic Aciduria (example: Balmer_2014). These data indicate that the variant is very likely to be associated with disease. The following publication has been ascertained in the context of this evaluation (PMID: 24166829). Three clinical diagnostic laboratories have submitted clinical-significance assessments for this variant to ClinVar after 2014 and all classified the variant as pathogenic/likely pathogenic. Based on the evidence outlined above, the variant was classified as pathogenic.

Counsyl
Classification: Likely pathogenic for Argininosuccinate lyase deficiency. Last evaluated: 2017-07-27. Review status: no assertion criteria provided. Collection method: clinical testing. Allele origin: unknown. Not counted in ClinVar's aggregate classification.

Literature cited by the submitters: PubMed 10896281 (cited by Labcorp Genetics (formerly Invitae), Labcorp and Counsyl); PubMed 24166829 (cited by 4 submitters); PubMed 30285816 (cited by Natera, Inc.).

NM_000048.4(ASL):c.337C>T (p.Arg113Trp)

Gene: ASL (argininosuccinate lyase; plus strand). Cytogenetic location: 7q11.21.
Variant type: single nucleotide variant.
Coding change: c.337C>T on transcript NM_000048.4 (MANE Select); coding-DNA position 337, C replaced by T.
Protein change: p.Arg113Trp; replaces arginine 113 with tryptophan.
Molecular consequence: missense variant.
Genome position (GRCh38, 1-based): chr7:66,082,925, C>T. VCF-style: chr7-66082925-C-T. GRCh37 (hg19) VCF-style: chr7-65547912-C-T.
Other names: c.337C>T, p.Arg113Trp (NM_001024943.2, NM_001024944.2, NM_001024946.2); short protein forms R113W.
Identifiers: ClinVar variation 553111 (VCV000553111.22), dbSNP rs767543051, ClinGen allele CA4276906.
Genomic context (GRCh38, chr7:66,082,925, plus strand): 5'-TCCCTTCACCTCCAGGAGCTCATTGGTGCAACGGCAGGGAAGCTGCACACGGGACGGAGC[C>T]GGAATGACCAGGTGCTTTAGCCCCTCCACCCCCTGCTCCGTGTTGTCCCAACCTTGAGGA-3'
Protein context (NP_000039.2, residues 103-123): TAGKLHTGRS[Arg113Trp]NDQVVTDLRL